The following is an entry in ClinVar:

ClinVar aggregate classification (germline): Uncertain significance (0 of 4 stars; one submission).

Conditions:
INVS-related disorder. Also called: INVS-related condition.

gnomAD v4.1: 1 of 1,609,444 alleles (0.000062%); highest among the groups gnomAD compares: Non-Finnish European, 0.000085%; no homozygotes.

Submission:

PreventionGenetics, part of Exact Sciences
Classification: Uncertain significance for INVS-related condition. Last evaluated: 2024-06-21. Review status: no assertion criteria provided. Collection method: clinical testing. Allele origin: germline.
Comment: The INVS c.874C>A variant is predicted to result in the amino acid substitution p.Pro292Thr. To our knowledge, this variant has not been reported in the literature or in a large population database, indicating this variant is rare. At this time, the clinical significance of this variant is uncertain due to the absence of conclusive functional and genetic evidence.

NM_014425.5(INVS):c.874C>A (p.Pro292Thr)

Gene: INVS (inversin; plus strand). Cytogenetic location: 9q31.1.
Variant type: single nucleotide variant.
Coding change: c.874C>A on transcript NM_014425.5 (MANE Select); coding-DNA position 874, C replaced by A.
Protein change: p.Pro292Thr; replaces proline 292 with threonine.
Molecular consequence: missense variant. On other transcripts: 5 prime UTR variant (1), non-coding transcript variant (1).
Genome position (GRCh38, 1-based): chr9:100,242,647, C>A. VCF-style: chr9-100242647-C-A. GRCh37 (hg19) VCF-style: chr9-103004929-C-A.
Other names: c.586C>A, p.Pro196Thr (NM_001318381.2); c.-116C>A (NM_001318382.2); short protein forms P196T, P292T.
Identifiers: ClinVar variation 3353735 (VCV003353735.1).